The following is an entry in ClinVar:

NM_002474.3(MYH11):c.5103G>C (p.Arg1701Ser)

Genes: MYH11 (myosin heavy chain 11; minus strand), NDE1 (nudE neurodevelopment protein 1; plus strand). Cytogenetic location: 16p13.11.
Variant type: single nucleotide variant.
Coding change: c.5103G>C on transcript NM_002474.3 (MANE Select); coding-DNA position 5103, G replaced by C.
Protein change: p.Arg1701Ser; replaces arginine 1701 with serine.
Molecular consequence: missense variant. On other transcripts: intron variant (2).
Genome position (GRCh38, 1-based): chr16:15,719,288, C>G on the plus strand (G>C on the coding strand, the complement: MYH11 is on the minus strand). VCF-style: chr16-15719288-C-G. GRCh37 (hg19) VCF-style: chr16-15813145-C-G.
Other names: c.5124G>C, p.Arg1708Ser (NM_001040113.2, NM_001040114.2); c.5103G>C, p.Arg1701Ser (NM_022844.3); c.948-4903C>G (NM_001143979.2, NM_017668.3); short protein forms R1701S, R1708S.
Identifiers: ClinVar variation 3074626 (VCV003074626.1), dbSNP rs777827294, ClinGen allele CA394850959.

ClinVar aggregate classification (germline): Uncertain significance (1 of 4 stars; one submission).

Conditions:
Familial thoracic aortic aneurysm and aortic dissection (TAAD). Also called: Thoracic aortic aneurysms and dissections. Identifiers: Orphanet 91387, MedGen C4707243, MONDO:0019625.

gnomAD v4.1: 1 of 1,612,414 alleles (0.000062%); highest among the groups gnomAD compares: Non-Finnish European, 0.000085%; no homozygotes.

Submission:

All of Us Research Program, National Institutes of Health
Classification: Uncertain significance for Familial thoracic aortic aneurysm and aortic dissection. Last evaluated: 2023-11-20. Review status: criteria provided, single submitter. Criteria: ACMG Guidelines, 2015. Collection method: clinical testing. Allele origin: germline. Inheritance: Autosomal dominant inheritance. Observed: 1 variant allele, 1 heterozygote.
Comment: This missense variant replaces arginine with serine at codon 1708 of the MYH11 protein. Computational prediction is inconclusive regarding the impact of this variant on protein structure and function (internally defined REVEL score threshold 0.5 < inconclusive < 0.7, PMID: 27666373). To our knowledge, functional studies have not been reported for this variant. This variant has not been reported in individuals affected with MYH11-related disorders in the literature. This variant has not been identified in the general population by the Genome Aggregation Database (gnomAD). The available evidence is insufficient to determine the role of this variant in disease conclusively. Therefore, this variant is classified as a Variant of Uncertain Significance.

This study involves interpretation of variants in research participants for the purpose of population health screening. Participant phenotype was not available at the time of variant classification. Additional details can be found in publication PMID: 35346344, PMCID: PMC8962531